The following is an entry in ClinVar:

ClinVar aggregate classification (germline): Likely benign. Review status: criteria provided, multiple submitters, no conflicts (2 of 4 stars). 2 submissions from 2 submitters: Likely benign (2). Last evaluated 2024-10-03.

Conditions:
Hypertrophic cardiomyopathy. Also called: HYPERTROPHIC MYOCARDIOPATHY. Identifiers: Orphanet 217569, MedGen C0007194, MeSH D002312, MONDO:0005045, HP:0001639.

Submissions (2):

Blueprint Genetics
Classification: Likely benign. Last evaluated: 2024-10-03. Review status: criteria provided, single submitter. Criteria: ACMG Guidelines, 2015. Collection method: clinical testing. Allele origin: germline.

All of Us Research Program, National Institutes of Health
Classification: Likely benign for Hypertrophic cardiomyopathy. Last evaluated: 2024-04-25. Review status: criteria provided, single submitter. Criteria: ACMG Guidelines, 2015. Collection method: clinical testing. Allele origin: germline. Inheritance: Autosomal dominant inheritance. Observed: 1 variant allele, 1 heterozygote.
Comment: This study involves interpretation of variants in research participants for the purpose of population health screening. Participant phenotype was not available at the time of variant classification. Additional details can be found in publication PMID: 35346344, PMCID: PMC8962531

NM_000256.3(MYBPC3):c.1629G>A (p.Lys543=)

Gene: MYBPC3 (myosin binding protein C3; minus strand). Cytogenetic location: 11p11.2.
Variant type: single nucleotide variant.
Coding change: c.1629G>A on transcript NM_000256.3 (MANE Select); coding-DNA position 1629, G replaced by A.
Protein change: p.Lys543=; no amino-acid change (lysine 543 retained).
Molecular consequence: synonymous variant.
Genome position (GRCh38, 1-based): chr11:47,342,152, C>T on the plus strand (G>A on the coding strand, the complement: MYBPC3 is on the minus strand). VCF-style: chr11-47342152-C-T. GRCh37 (hg19) VCF-style: chr11-47363703-C-T.
Identifiers: ClinVar variation 3387129 (VCV003387129.2).